The following is an entry in ClinVar:

NM_004036.5(ADCY3):c.2609G>A (p.Trp870Ter)

Gene: ADCY3 (adenylate cyclase 3; minus strand). Cytogenetic location: 2p23.3.
Variant type: single nucleotide variant.
Coding change: c.2609G>A on transcript NM_004036.5 (MANE Select); coding-DNA position 2609, G replaced by A.
Protein change: p.Trp870Ter; replaces tryptophan 870 with a stop codon.
Molecular consequence: nonsense.
Genome position (GRCh38, 1-based): chr2:24,824,505, C>T on the plus strand (G>A on the coding strand, the complement: ADCY3 is on the minus strand). VCF-style: chr2-24824505-C-T. GRCh37 (hg19) VCF-style: chr2-25047374-C-T.
Other names: c.2612G>A, p.Trp871Ter (NM_001320613.2); c.2675G>A, p.Trp892Ter (NM_001377128.1); c.2471G>A, p.Trp824Ter (NM_001377129.1); c.2204G>A, p.Trp735Ter (NM_001377130.1); c.1886G>A, p.Trp629Ter (NM_001377131.1); c.2609G>A, p.Trp870Ter (NM_001377132.1); short protein forms W629*, W870*, W892*, W735*, W824*, W871*.
Identifiers: ClinVar variation 4994296 (VCV004994296.1).

ClinVar aggregate classification (germline): Likely pathogenic (1 of 4 stars; one submission).

Conditions:
ADCY3-related disorder. Also called: ADCY3-related condition.

gnomAD v4.1: 2 of 1,614,202 alleles (0.00012%); highest among the groups gnomAD compares: African/African-American, 0.0013%; no homozygotes.

Submission:

PreventionGenetics, part of Exact Sciences
Classification: Likely pathogenic for ADCY3-related condition. Last evaluated: 2026-04-21. Review status: criteria provided, single submitter. Criteria: ACMG Guidelines, 2015. Collection method: clinical testing. Allele origin: germline.
Comment: The ADCY3 c.2612G>A variant is predicted to result in premature protein termination (p.Trp871*). To our knowledge, this variant has not been reported in the literature. This variant is reported in 0.0062% of alleles in individuals of African descent in gnomAD. Nonsense variants in ADCY3 are expected to be pathogenic. This variant is interpreted as likely pathogenic.